The following is an entry in ClinVar:

ClinVar aggregate classification (germline): Likely pathogenic. Review status: criteria provided, multiple submitters, no conflicts (2 of 4 stars). 2 submissions from 2 submitters: Likely pathogenic (2). Last evaluated 2023-01-06.

Conditions:
Hereditary cancer-predisposing syndrome. Also called: Hereditary Cancer Syndrome; Neoplastic Syndromes, Hereditary; Tumor predisposition; Hereditary neoplastic syndrome. Identifiers: Orphanet 140162, MedGen C0027672, MeSH D009386, MONDO:0015356.
Ataxia-telangiectasia syndrome (AT). Also called: Cerebello-oculocutaneous telangiectasia; Immunodeficiency with ataxia telangiectasia; Ataxia-telangiectasia, complementation group E; Ataxia-telangiectasia, complementation group D; AT, COMPLEMENTATION GROUP C; ATAXIA-TELANGIECTASIA, COMPLEMENTATION GROUP A. Identifiers: Orphanet 100, MedGen C0004135, MONDO:0008840, OMIM 208900.

Submissions (2):

Labcorp Genetics (formerly Invitae), Labcorp
Classification: Likely pathogenic for Ataxia-telangiectasia syndrome. Last evaluated: 2023-01-06. Review status: criteria provided, single submitter. Criteria: Invitae Variant Classification Sherloc (09022015). Collection method: clinical testing. Allele origin: germline.
Comment: In summary, the currently available evidence indicates that the variant is pathogenic, but additional data are needed to prove that conclusively. Therefore, this variant has been classified as Likely Pathogenic. Algorithms developed to predict the effect of sequence changes on RNA splicing suggest that this variant may disrupt the consensus splice site. ClinVar contains an entry for this variant (Variation ID: 570620). This variant has not been reported in the literature in individuals affected with ATM-related conditions. This variant is not present in population databases (gnomAD no frequency). This sequence change affects a donor splice site in intron 47 of the ATM gene. It is expected to disrupt RNA splicing. Variants that disrupt the donor or acceptor splice site typically lead to a loss of protein function (PMID: 16199547), and loss-of-function variants in ATM are known to be pathogenic (PMID: 23807571, 25614872).

Ambry Genetics
Classification: Likely pathogenic for Hereditary cancer-predisposing syndrome. Last evaluated: 2019-02-20. Review status: criteria provided, single submitter. Criteria: Ambry Variant Classification Scheme 2023. Collection method: clinical testing. Allele origin: germline.
Comment: The c.6975+1G>T intronic variant results from a G to T substitution one nucleotide after coding exon 46 of the ATM gene. This nucleotide position is highly conserved in available vertebrate species. Using the BDGP and ESEfinder splice site prediction tools, this alteration is predicted to abolish the native splice donor site; however, direct evidence is unavailable. Alterations that disrupt the canonical splice site are expected to cause aberrant splicing, resulting in an abnormal protein or a transcript that is subject to nonsense-mediated mRNA decay. As such, this alteration is classified as likely pathogenic.

Literature cited by the submitters: PubMed 16199547 (cited by Labcorp Genetics (formerly Invitae), Labcorp); PubMed 23807571 (cited by Labcorp Genetics (formerly Invitae), Labcorp); PubMed 25614872 (cited by Labcorp Genetics (formerly Invitae), Labcorp).

NM_000051.4(ATM):c.6975+1G>T

Genes: ATM (ATM serine/threonine kinase; plus strand), C11orf65 (chromosome 11 open reading frame 65; minus strand). Cytogenetic location: 11q22.3.
Variant type: single nucleotide variant.
Coding change: c.6975+1G>T on transcript NM_000051.4 (MANE Select); the canonical splice donor site of the intron after coding-DNA position 6975, G replaced by T.
Molecular consequence: splice donor variant. On other transcripts: intron variant (2).
Genome position (GRCh38, 1-based): chr11:108,326,226, G>T. VCF-style: chr11-108326226-G-T. GRCh37 (hg19) VCF-style: chr11-108196953-G-T.
Other names: c.6975+1G>T (NM_001351834.2); c.641-17155C>A (NM_001330368.2); c.*38+8994C>A (NM_001351110.2).
Identifiers: ClinVar variation 570620 (VCV000570620.11), dbSNP rs1565521129, ClinGen allele CA382557516.